The following is an entry in ClinVar:

ClinVar aggregate classification (germline): Pathogenic (1 of 4 stars; one submission).

Conditions:
Cohen syndrome (COH1). Also called: Cutis verticis gyrata, retinitis pigmentosa, and sensorineural deafness; PEPPER SYNDROME. Identifiers: Orphanet 193, MedGen C0265223, MONDO:0008999, OMIM 216550.

Submission:

Labcorp Genetics (formerly Invitae), Labcorp
Classification: Pathogenic for Cohen syndrome. Last evaluated: 2023-03-14. Review status: criteria provided, single submitter. Criteria: Invitae Variant Classification Sherloc (09022015). Collection method: clinical testing. Allele origin: germline.
Comment: For these reasons, this variant has been classified as Pathogenic. This variant has not been reported in the literature in individuals affected with VPS13B-related conditions. This sequence change creates a premature translational stop signal (p.Ser3214Cysfs*38) in the VPS13B gene. It is expected to result in an absent or disrupted protein product. Loss-of-function variants in VPS13B are known to be pathogenic (PMID: 15141358, 16648375, 20461111). This variant is not present in population databases (gnomAD no frequency).

Literature cited by the submitters: PubMed 15141358; PubMed 16648375; PubMed 20461111.

NM_152564.5(VPS13B):c.9565_9566del (p.Ser3189fs)

Gene: VPS13B (vacuolar protein sorting 13 homolog B; plus strand). Cytogenetic location: 8q22.2.
Variant type: Microsatellite.
Coding change: c.9565_9566del on transcript NM_152564.5 (MANE Select); coding-DNA positions 9565 to 9566, 2 bases deleted (AG; older notation c.9565_9566delAG).
Protein change: p.Ser3189fs; shifts the reading frame from serine 3189.
Molecular consequence: frameshift variant.
Genome position (GRCh38, 1-based): chr8:99,832,603-99,832,604, AG deleted; deleting any 2 consecutive bases within chr8:99,832,601-99,832,604 gives the same sequence; the c. name uses the placement nearest the transcript's 3' end. VCF-style (leftmost placement, unchanged base first): chr8-99832600-CAG-C. GRCh37 (hg19) VCF-style: chr8-100844828-CAG-C.
Other names: c.9640_9641del, p.Ser3214fs (NM_017890.5); short protein forms S3189fs, S3214fs.
Identifiers: ClinVar variation 2845977 (VCV002845977.3), dbSNP rs2492095273, ClinGen allele CA2739268890.